The following is an entry in ClinVar:

ClinVar aggregate classification (germline): Uncertain significance (0 of 4 stars; one submission).

Conditions:
GLI3-related disorder. Also called: GLI3-related condition; GLI3-related disorders. Identifiers: MedGen CN239292.

Allele frequency attached by ClinVar (database versions not stated): gnomAD exomes below 0.00001; ExAC 0.00002.
gnomAD v4.1: 3 of 1,613,094 alleles (0.00019%); highest among the groups gnomAD compares: African/African-American, 0.004%; 1 homozygote.

Submission:

PreventionGenetics, part of Exact Sciences
Classification: Uncertain significance for GLI3-related condition. Last evaluated: 2023-12-28. Review status: no assertion criteria provided. Collection method: clinical testing. Allele origin: germline.
Comment: The GLI3 c.1382T>C variant is predicted to result in the amino acid substitution p.Val461Ala. To our knowledge, this variant has not been reported in the literature. This variant is reported in 0.012% of alleles in individuals of African descent in gnomAD, including one homozygote. Although we suspect that this variant may be benign, at this time, the clinical significance of this variant is uncertain due to the absence of conclusive functional and genetic evidence.

NM_000168.6(GLI3):c.1382T>C (p.Val461Ala)

Gene: GLI3 (GLI family zinc finger 3; minus strand). Cytogenetic location: 7p14.1.
Variant type: single nucleotide variant.
Coding change: c.1382T>C on transcript NM_000168.6 (MANE Select); coding-DNA position 1382, T replaced by C.
Protein change: p.Val461Ala; replaces valine 461 with alanine.
Molecular consequence: missense variant.
Genome position (GRCh38, 1-based): chr7:42,023,583, A>G on the plus strand (T>C on the coding strand, the complement: GLI3 is on the minus strand). VCF-style: chr7-42023583-A-G. GRCh37 (hg19) VCF-style: chr7-42063182-A-G.
Other names: short protein forms V461A.
Identifiers: ClinVar variation 3032687 (VCV003032687.2), dbSNP rs773285140, ClinGen allele CA4230847.
Genomic context (GRCh38, chr7:42,023,583, plus strand): 5'-TTTGTCTCATAGATGACTTCAGGCTCCTGTTTGCTTTCATCTTTGTCCCCTTCCTCCTTG[A>G]CAAGGGTTGTTCCTTCGGGCTGTTCCTGAAAGAAGAGGGTGGGGGGCAGGGAACAGAGAA-3'
Protein context (NP_000159.3, residues 451-471): QQEQPEGTTL[Val461Ala]KEEGDKDESK